The following is an entry in ClinVar:

NM_001349253.2(SCN11A):c.37G>A (p.Glu13Lys)

Gene: SCN11A (sodium voltage-gated channel alpha subunit 11; minus strand). Cytogenetic location: 3p22.2.
Variant type: single nucleotide variant.
Coding change: c.37G>A on transcript NM_001349253.2 (MANE Select); coding-DNA position 37, G replaced by A.
Protein change: p.Glu13Lys; replaces glutamic acid 13 with lysine.
Molecular consequence: missense variant.
Genome position (GRCh38, 1-based): chr3:38,950,326, C>T on the plus strand (G>A on the coding strand, the complement: SCN11A is on the minus strand). VCF-style: chr3-38950326-C-T. GRCh37 (hg19) VCF-style: chr3-38991817-C-T.
Other names: c.37G>A, p.Glu13Lys (NM_014139.3); short protein forms E13K.
Identifiers: ClinVar variation 2937766 (VCV002937766.3), dbSNP rs1553644585, ClinGen allele CA352176936.

ClinVar aggregate classification (germline): Uncertain significance (1 of 4 stars; one submission).

Conditions:
Familial episodic pain syndrome with predominantly lower limb involvement. Also called: Episodic pain syndrome, familial, 3. Identifiers: Orphanet 391384, Orphanet 391392, MedGen C3809899, MONDO:0014247, OMIM 615552.
Hereditary sensory and autonomic neuropathy type 7. Also called: HSAN VII; Neuropathy, hereditary sensory and autonomic, type VII. Identifiers: Orphanet 391397, MedGen C3809882, MONDO:0014244, OMIM 615548.

Allele frequency attached by ClinVar (database versions not stated): gnomAD exomes below 0.00001.
gnomAD v4.1: 2 of 1,613,898 alleles (0.00012%); highest among the groups gnomAD compares: Non-Finnish European, 0.00017%; no homozygotes.

Submission:

Labcorp Genetics (formerly Invitae), Labcorp
Classification: Uncertain significance for Familial episodic pain syndrome with predominantly lower limb involvement; Hereditary sensory and autonomic neuropathy type 7. Last evaluated: 2023-06-21. Review status: criteria provided, single submitter. Criteria: Invitae Variant Classification Sherloc (09022015). Collection method: clinical testing. Allele origin: germline.
Comment: This variant is not present in population databases (gnomAD no frequency). In summary, the available evidence is currently insufficient to determine the role of this variant in disease. Therefore, it has been classified as a Variant of Uncertain Significance. Advanced modeling of protein sequence and biophysical properties (such as structural, functional, and spatial information, amino acid conservation, physicochemical variation, residue mobility, and thermodynamic stability) performed at Invitae indicates that this missense variant is not expected to disrupt SCN11A protein function. This variant has not been reported in the literature in individuals affected with SCN11A-related conditions. This sequence change replaces glutamic acid, which is acidic and polar, with lysine, which is basic and polar, at codon 13 of the SCN11A protein (p.Glu13Lys).